The following is an entry in ClinVar:

ClinVar aggregate classification (germline): Uncertain significance (1 of 4 stars; one submission).

Conditions:
Tuberous sclerosis 2 (TSC2). Identifiers: Orphanet 805, MedGen C1860707, MONDO:0013199, OMIM 613254.

Submission:

Labcorp Genetics (formerly Invitae), Labcorp
Classification: Uncertain significance for Tuberous sclerosis 2. Last evaluated: 2024-08-30. Review status: criteria provided, single submitter. Criteria: Invitae Variant Classification Sherloc (09022015). Collection method: clinical testing. Allele origin: germline.
Comment: This sequence change replaces leucine, which is neutral and non-polar, with valine, which is neutral and non-polar, at codon 1137 of the TSC2 protein (p.Leu1137Val). This variant is not present in population databases (gnomAD no frequency). This variant has not been reported in the literature in individuals affected with TSC2-related conditions. Invitae Evidence Modeling of protein sequence and biophysical properties (such as structural, functional, and spatial information, amino acid conservation, physicochemical variation, residue mobility, and thermodynamic stability) indicates that this missense variant is not expected to disrupt TSC2 protein function with a negative predictive value of 95%. In summary, the available evidence is currently insufficient to determine the role of this variant in disease. Therefore, it has been classified as a Variant of Uncertain Significance.

NM_000548.5(TSC2):c.3409C>G (p.Leu1137Val)

Gene: TSC2 (TSC complex subunit 2; plus strand). Cytogenetic location: 16p13.3.
Variant type: single nucleotide variant.
Coding change: c.3409C>G on transcript NM_000548.5 (MANE Select); coding-DNA position 3409, C replaced by G.
Protein change: p.Leu1137Val; replaces leucine 1137 with valine.
Molecular consequence: missense variant. On other transcripts: non-coding transcript variant (5).
Genome position (GRCh38, 1-based): chr16:2,080,176, C>G. VCF-style: chr16-2080176-C-G. GRCh37 (hg19) VCF-style: chr16-2130177-C-G.
Other names: c.3220C>G, p.Leu1074Val (NM_001406677.1); c.3166C>G, p.Leu1056Val (NM_001406678.1); c.3130C>G, p.Leu1044Val (NM_001406679.1); c.2809C>G, p.Leu937Val (NM_001406680.1, NM_001406682.1, NM_001406683.1); c.2818C>G, p.Leu940Val (NM_001406681.1); c.2806C>G, p.Leu936Val (NM_001406684.1); c.2680C>G, p.Leu894Val (NM_001406685.1, NM_001406686.1); c.3277C>G, p.Leu1093Val (NM_001077183.3, NM_001370404.1, NM_001406665.1); and 18 more; short protein forms L1045V, L1088V, L1094V, L1104V, L559V, L646V, L689V, L940V.
Identifiers: ClinVar variation 2808554 (VCV002808554.3), dbSNP rs2544091396, ClinGen allele CA394288417.
Genomic context (GRCh38, chr16:2,080,176, plus strand): 5'-TTTTGCATCAGGTAAGTGGTGGTCACCAGTCCTCTGCCCTCTTCTTCAGGGGGCCATGGT[C>G]TTCGAGTTGGCGCCCTGGACGTGCCGGCCTCCCAGTTCCTGGGCAGTGCCACTTCTCCAG-3'
Protein context (NP_000539.2, residues 1127-1147): RVRSMSGGHG[Leu1137Val]RVGALDVPAS